The following is an entry in ClinVar:

NM_014014.5(SNRNP200):c.6174+4C>T

Gene: SNRNP200 (small nuclear ribonucleoprotein U5 subunit 200; minus strand). Cytogenetic location: 2q11.2.
Variant type: single nucleotide variant.
Coding change: c.6174+4C>T on transcript NM_014014.5 (MANE Select); 4 bases into the intron after coding-DNA position 6174, C replaced by T.
Molecular consequence: intron variant.
Genome position (GRCh38, 1-based): chr2:96,276,900, G>A on the plus strand (C>T on the coding strand, the complement: SNRNP200 is on the minus strand). VCF-style: chr2-96276900-G-A. GRCh37 (hg19) VCF-style: chr2-96942638-G-A.
Identifiers: ClinVar variation 337526 (VCV000337526.11), dbSNP rs774620973, ClinGen allele CA1777801.

ClinVar aggregate classification (germline): Uncertain significance. Review status: criteria provided, multiple submitters, no conflicts (2 of 4 stars). 3 submissions from 3 submitters: Uncertain significance (3). Last evaluated 2024-06-29.

Conditions:
Retinitis pigmentosa (RP). Identifiers: Orphanet 791, MedGen C0035334, MeSH D012174, MONDO:0019200, OMIM 268000. Inheritance: Autosomal dominant, autosomal recessive and X linked inheritance.

Allele frequency attached by ClinVar (database versions not stated): ExAC 0.00001; gnomAD exomes 0.00001 and 0.00002; gnomAD 0.00002; TOPMed 0.00004.
gnomAD v4.1: 15 of 1,613,912 alleles (0.00093%); highest among the groups gnomAD compares: Admixed American, 0.0067%; no homozygotes.

Submissions (3):

Labcorp Genetics (formerly Invitae), Labcorp
Classification: Uncertain significance. Last evaluated: 2024-06-29. Review status: criteria provided, single submitter. Criteria: Invitae Variant Classification Sherloc (09022015). Collection method: clinical testing. Allele origin: germline.
Comment: This sequence change falls in intron 43 of the SNRNP200 gene. It does not directly change the encoded amino acid sequence of the SNRNP200 protein. It affects a nucleotide within the consensus splice site. This variant is present in population databases (rs774620973, gnomAD 0.006%). This variant has not been reported in the literature in individuals affected with SNRNP200-related conditions. ClinVar contains an entry for this variant (Variation ID: 337526). Variants that disrupt the consensus splice site are a relatively common cause of aberrant splicing (PMID: 17576681, 9536098). Algorithms developed to predict the effect of sequence changes on RNA splicing suggest that this variant is not likely to affect RNA splicing. In summary, the available evidence is currently insufficient to determine the role of this variant in disease. Therefore, it has been classified as a Variant of Uncertain Significance.

Blueprint Genetics
Classification: Uncertain significance. Last evaluated: 2023-07-12. Review status: criteria provided, single submitter. Criteria: ACMG Guidelines, 2015. Collection method: clinical testing. Allele origin: germline.

Illumina Laboratory Services, Illumina
Classification: Uncertain significance for Retinitis pigmentosa. Last evaluated: 2018-01-12. Review status: criteria provided, single submitter. Criteria: ICSL Variant Classification Criteria 13 December 2019. Collection method: clinical testing. Allele origin: germline.

Literature cited by the submitters: PubMed 17576681 (cited by Labcorp Genetics (formerly Invitae), Labcorp); PubMed 9536098 (cited by Labcorp Genetics (formerly Invitae), Labcorp).